The following is an entry in ClinVar:

NM_006393.3(NEBL):c.2016G>A (p.Glu672=)

Gene: NEBL (nebulette; minus strand). Cytogenetic location: 10p12.31.
Variant type: single nucleotide variant.
Coding change: c.2016G>A on transcript NM_006393.3 (MANE Select); coding-DNA position 2016, G replaced by A.
Protein change: p.Glu672=; no amino-acid change (glutamic acid 672 retained).
Molecular consequence: synonymous variant. On other transcripts: intron variant (9).
Genome position (GRCh38, 1-based): chr10:20,819,463, C>T on the plus strand (G>A on the coding strand, the complement: NEBL is on the minus strand). VCF-style: chr10-20819463-C-T. GRCh37 (hg19) VCF-style: chr10-21108392-C-T.
Other names: c.250-6523G>A (NM_001377326.1, NM_001377327.1, NM_001377328.1); c.358-6523G>A (NM_213569.2, NM_001173484.2, NM_001377322.1); c.301-6523G>A (NM_001377324.1); c.292-6523G>A (NM_001377325.1); c.310-6523G>A (NM_001377323.1).
Identifiers: ClinVar variation 513142 (VCV000513142.14), dbSNP rs757626106, ClinGen allele CA5432647.

ClinVar aggregate classification (germline): Likely benign. Review status: criteria provided, multiple submitters, no conflicts (2 of 4 stars). 3 submissions from 3 submitters: Likely benign (3). Last evaluated 2023-07-13.

Conditions:
Primary dilated cardiomyopathy (DCM). Also called: Dilated Cardiomyopathy. Identifiers: Orphanet 217604, MedGen C0007193, MeSH D002311, MONDO:0005021, HP:0001644. Inheritance: Various modes of inheritance.

Allele frequency attached by ClinVar (database versions not stated): ExAC 0.00001; gnomAD 0.00001; gnomAD exomes 0.00001 and 0.00002; TOPMed 0.00001.
gnomAD v4.1: 34 of 1,614,010 alleles (0.0021%); highest among the groups gnomAD compares: Non-Finnish European, 0.0029%; no homozygotes.

Submissions (3):

Labcorp Genetics (formerly Invitae), Labcorp
Classification: Likely benign for Primary dilated cardiomyopathy. Last evaluated: 2023-07-13. Review status: criteria provided, single submitter. Criteria: Invitae Variant Classification Sherloc (09022015). Collection method: clinical testing. Allele origin: germline.

Ambry Genetics
Classification: Likely benign. Last evaluated: 2022-05-24. Review status: criteria provided, single submitter. Criteria: Ambry Variant Classification Scheme 2023. Collection method: clinical testing. Allele origin: germline.

GeneDx
Classification: Likely benign. Last evaluated: 2017-11-07. Review status: criteria provided, single submitter. Criteria: GeneDx Variant Classification (06012015). Collection method: clinical testing. Allele origin: germline. Affected: yes.
Comment: This variant is considered likely benign or benign based on one or more of the following criteria: it is a conservative change, it occurs at a poorly conserved position in the protein, it is predicted to be benign by multiple in silico algorithms, and/or has population frequency not consistent with disease.